The following is an entry in ClinVar:

ClinVar aggregate classification (germline): Likely benign. Review status: criteria provided, multiple submitters, no conflicts (2 of 4 stars). 3 submissions from 3 submitters: Likely benign (3). Last evaluated 2025-12-13.

Conditions:
Hypertrophic cardiomyopathy. Also called: HYPERTROPHIC MYOCARDIOPATHY. Identifiers: Orphanet 217569, MedGen C0007194, MeSH D002312, MONDO:0005045, HP:0001639.

Allele frequency attached by ClinVar (database versions not stated): gnomAD 0.00001; TOPMed 0.00001.

Submissions (3):

Labcorp Genetics (formerly Invitae), Labcorp
Classification: Likely benign for Hypertrophic cardiomyopathy. Last evaluated: 2025-12-13. Review status: criteria provided, single submitter. Criteria: Invitae Variant Classification Sherloc (09022015). Collection method: clinical testing. Allele origin: germline.

Blueprint Genetics
Classification: Likely benign. Last evaluated: 2023-12-12. Review status: criteria provided, single submitter. Criteria: ACMG Guidelines, 2015. Collection method: clinical testing. Allele origin: germline.

Laboratory for Molecular Medicine, Mass General Brigham Personalized Medicine
Classification: Likely benign. Last evaluated: 2012-11-21. Review status: criteria provided, single submitter. Criteria: LMM Criteria. Collection method: clinical testing. Allele origin: germline. Observed: 1 variant allele.
Comment: 1624+14G>C in intron 17 of MYBPC3: This variant is not expected to have clinical significance because it is not located within the splice consensus sequence. 1624+14G>C in intron 17 of MYBPC3 (allele frequency = n/a)

NM_000256.3(MYBPC3):c.1624+14G>C

Gene: MYBPC3 (myosin binding protein C3; minus strand). Cytogenetic location: 11p11.2.
Variant type: single nucleotide variant.
Coding change: c.1624+14G>C on transcript NM_000256.3 (MANE Select); 14 bases into the intron after coding-DNA position 1624, G replaced by C.
Molecular consequence: intron variant.
Genome position (GRCh38, 1-based): chr11:47,342,564, C>G on the plus strand (G>C on the coding strand, the complement: MYBPC3 is on the minus strand). VCF-style: chr11-47342564-C-G. GRCh37 (hg19) VCF-style: chr11-47364115-C-G.
Identifiers: ClinVar variation 42553 (VCV000042553.12), dbSNP rs397515914, ClinGen allele CA010753.
Genomic context (GRCh38, chr11:47,342,564, plus strand): 5'-CTACAGGGCTAGGTGGGGTGGGGGCTGAGGGGTCCAAGCCCTAAAGCCTCATGTGCCCCC[C>G]CAGCCAGGCTCACCCTGCACAATGAGCTCAGCCAGCGCCTGGCCCCCGCTAGTGCACAGT-3'